The following is an entry in ClinVar:

ClinVar aggregate classification (germline): Uncertain significance. Review status: criteria provided, multiple submitters, no conflicts (2 of 4 stars). 2 submissions from 2 submitters: Uncertain significance (2). Last evaluated 2022-05-18.

Conditions:
Familial focal epilepsy with variable foci (FPEVF). Identifiers: Orphanet 98820, MedGen C1858477, MONDO:0020310.

Allele frequency attached by ClinVar (database versions not stated): gnomAD exomes below 0.00001; gnomAD 0.00001; ESP Exome Variant Server 0.00008.
gnomAD v4.1: 7 of 1,613,742 alleles (0.00043%); highest among the groups gnomAD compares: Admixed American, 0.0017%; no homozygotes.

Submissions (2):

GeneDx
Classification: Uncertain significance. Last evaluated: 2022-05-18. Review status: criteria provided, single submitter. Criteria: GeneDx Variant Classification Process June 2021. Collection method: clinical testing. Allele origin: germline. Affected: yes.
Comment: Not observed in large population cohorts (gnomAD); In silico analysis, which includes protein predictors and evolutionary conservation, supports that this variant does not alter protein structure/function; Has not been previously published as pathogenic or benign to our knowledge

Labcorp Genetics (formerly Invitae), Labcorp
Classification: Uncertain significance for Familial focal epilepsy with variable foci. Last evaluated: 2022-02-12. Review status: criteria provided, single submitter. Criteria: Invitae Variant Classification Sherloc (09022015). Collection method: clinical testing. Allele origin: germline.
Comment: This sequence change replaces arginine, which is basic and polar, with glutamine, which is neutral and polar, at codon 1525 of the DEPDC5 protein (p.Arg1525Gln). The frequency data for this variant in the population databases is considered unreliable, as metrics indicate poor data quality at this position in the gnomAD database. This variant has not been reported in the literature in individuals affected with DEPDC5-related conditions. ClinVar contains an entry for this variant (Variation ID: 1206644). Algorithms developed to predict the effect of missense changes on protein structure and function are either unavailable or do not agree on the potential impact of this missense change (SIFT: "Tolerated"; PolyPhen-2: "Not Available"; Align-GVGD: "Class C0"). In summary, the available evidence is currently insufficient to determine the role of this variant in disease. Therefore, it has been classified as a Variant of Uncertain Significance.

NM_001242896.3(DEPDC5):c.4574G>A (p.Arg1525Gln)

Gene: DEPDC5 (DEP domain containing 5, GATOR1 subcomplex subunit; plus strand). Cytogenetic location: 22q12.3.
Variant type: single nucleotide variant.
Coding change: c.4574G>A on transcript NM_001242896.3 (MANE Select); coding-DNA position 4574, G replaced by A.
Protein change: p.Arg1525Gln; replaces arginine 1525 with glutamine.
Molecular consequence: missense variant. On other transcripts: non-coding transcript variant (5).
Genome position (GRCh38, 1-based): chr22:31,906,259, G>A. VCF-style: chr22-31906259-G-A. GRCh37 (hg19) VCF-style: chr22-32302245-G-A.
Other names: c.4547G>A, p.Arg1516Gln (NM_001136029.4); c.4274G>A, p.Arg1425Gln (NM_001242897.2); c.4508G>A, p.Arg1503Gln (NM_001363852.2, NM_001364320.2); c.4340G>A, p.Arg1447Gln (NM_001363854.2, NM_001364319.2); c.4574G>A, p.Arg1525Gln (NM_001364318.2); c.4490G>A, p.Arg1497Gln (NM_001369901.1, NM_001369902.1); c.4481G>A, p.Arg1494Gln (NM_001369903.1, NM_014662.6); short protein forms R1425Q, R1447Q, R1494Q, R1497Q, R1503Q, R1516Q, R1525Q.
Identifiers: ClinVar variation 1206644 (VCV001206644.10), dbSNP rs370366925, ClinGen allele CA323356348.
Genomic context (GRCh38, chr22:31,906,259, plus strand): 5'-CTTCAGGAACAGTGTTTCTGCAGCTGCCCTACTCCAAGCGCAAGTTCTCAGGGCAGCAGC[G>A]GCGGCGGCGGAACTCCACCAGCTCCACCAACCAGAACATGTTCTGCGAGGAGCGGGTCGG-3'
Protein context (NP_001229825.1, residues 1515-1535): YSKRKFSGQQ[Arg1525Gln]RRRNSTSSTN